The following is an entry in ClinVar:

NM_024675.4(PALB2):c.7G>T (p.Glu3Ter)

Gene: PALB2 (partner and localizer of BRCA2; minus strand). Cytogenetic location: 16p12.2.
Variant type: single nucleotide variant.
Coding change: c.7G>T on transcript NM_024675.4 (MANE Select); coding-DNA position 7, G replaced by T.
Protein change: p.Glu3Ter; replaces glutamic acid 3 with a stop codon.
Molecular consequence: nonsense.
Genome position (GRCh38, 1-based): chr16:23,641,151, C>A on the plus strand (G>T on the coding strand, the complement: PALB2 is on the minus strand). VCF-style: chr16-23641151-C-A. GRCh37 (hg19) VCF-style: chr16-23652472-C-A.
Other names: NM_024675.4(PALB2):c.7G>T; p.Glu3Ter; short protein forms E3*.
Identifiers: ClinVar variation 241571 (VCV000241571.38), dbSNP rs878855123, ClinGen allele CA10583388.

ClinVar aggregate classification (germline): Pathogenic. Review status: reviewed by expert panel (3 of 4 stars). 9 submissions from 9 submitters: Pathogenic (1). 8 of the submissions do not count toward it. Last evaluated 2023-04-05.

Conditions:
Breast-ovarian cancer, familial, susceptibility to, 5 (BROVCA5). Identifiers: MedGen C5830615, MONDO:0957530, OMIM 620442.
PALB2-related cancer predisposition. Identifiers: MedGen CN377761, MONDO:0700272.
Hereditary cancer-predisposing syndrome. Also called: Hereditary neoplastic syndrome; Hereditary Cancer Syndrome; Neoplastic Syndromes, Hereditary; Tumor predisposition. Identifiers: Orphanet 140162, MedGen C0027672, MeSH D009386, MONDO:0015356.
Familial cancer of breast. Also called: Hereditary breast cancer; BREAST CANCER, FAMILIAL; hereditary breast carcinoma. Identifiers: Orphanet 227535, MedGen C0346153, MONDO:0016419, OMIM 114480. Disease mechanism: loss of function.

Submissions (9):

ClinGen Hereditary Breast, Ovarian and Pancreatic Cancer Variant Curation Expert Panel, ClinGen
Classification: Pathogenic for PALB2-related cancer predisposition. Last evaluated: 2023-04-05. Review status: reviewed by expert panel. Criteria: ClinGen HBOP VCEP ACMG Specifications PALB2 V1.0.0. Collection method: curation. Allele origin: germline. Inheritance: Autosomal dominant inheritance.
Comment: The c.7G>T (p.Glu3Ter) variant in PALB2 is a nonsense variant predicted to cause a premature stop codon in biologically-relevant-exon 1 leading to nonsense mediated decay in a gene in which loss-of-function is an established disease mechanism. This alteration results in a termination codon upstream of the most C-terminus pathogenic alteration (PALB2 p.Tyr1183*) as classified by the HBOP VCEP and is expected to be more deleterious. This variant is absent from gnomAD v2.1.1. In summary, this variant meets criteria to be classified as pathogenic for autosomal dominant hereditary breast and pancreatic cancer and autosomal recessive FANCN based on the ACMG/AMP criteria applied as specified by the HBOP VCEP. (PVS1, PM5_supporting, PM2_supporting)

Labcorp Genetics (formerly Invitae), Labcorp
Classification: Pathogenic for Familial cancer of breast. Last evaluated: 2025-07-17. Review status: criteria provided, single submitter. Criteria: Invitae Variant Classification Sherloc (09022015). Collection method: clinical testing. Allele origin: germline. Not counted in ClinVar's aggregate classification.
Comment: This sequence change creates a premature translational stop signal (p.Glu3*) in the PALB2 gene. It is expected to result in an absent or disrupted protein product. Loss-of-function variants in PALB2 are known to be pathogenic (PMID: 17200668, 17200671, 17200672, 24136930, 25099575). This variant is not present in population databases (gnomAD no frequency). This premature translational stop signal has been observed in individual(s) with breast and endometrial cancer (PMID: 30093976). ClinVar contains an entry for this variant (Variation ID: 241571). For these reasons, this variant has been classified as Pathogenic.

CeGaT Center for Human Genetics Tuebingen
Classification: Pathogenic. Last evaluated: 2024-07-01. Review status: criteria provided, single submitter. Criteria: CeGaT Center For Human Genetics Tuebingen Variant Classification Criteria Version 2. Collection method: clinical testing. Allele origin: germline. Affected: yes. Observed: 1 variant allele. Not counted in ClinVar's aggregate classification.
Comment: PALB2: PVS1, PM2, PS4:Moderate

Ambry Genetics
Classification: Pathogenic for Hereditary cancer-predisposing syndrome. Last evaluated: 2024-06-01. Review status: criteria provided, single submitter. Criteria: Ambry Variant Classification Scheme 2023. Collection method: clinical testing. Allele origin: germline. Not counted in ClinVar's aggregate classification.
Comment: The p.E3* pathogenic mutation (also known as c.7G>T), located in coding exon 1 of the PALB2 gene, results from a G to T substitution at nucleotide position 7. This changes the amino acid from a glutamic acid to a stop codon within coding exon 1. This alteration was identified in multiple individuals diagnosed with breast cancer (Zhou J et al. Cancer, 2020 Jul;126:3202-3208; Ng PS et al. J Med Genet, 2022 May;59:481-491). This variant is considered to be rare based on population cohorts in the Genome Aggregation Database (gnomAD). This alteration is expected to result in loss of function by premature protein truncation or nonsense-mediated mRNA decay. As such, this alteration is interpreted as a disease-causing mutation.

GeneDx
Classification: Pathogenic. Last evaluated: 2024-03-14. Review status: criteria provided, single submitter. Criteria: GeneDx Variant Classification Process June 2021. Collection method: clinical testing. Allele origin: germline. Affected: yes. Not counted in ClinVar's aggregate classification.
Comment: Nonsense variant predicted to result in protein truncation or nonsense mediated decay in a gene for which loss-of-function is a known mechanism of disease; Truncating variants in this gene are considered pathogenic by a well-established clinical consortium and/or database; Not observed at significant frequency in large population cohorts (gnomAD); This variant is associated with the following publications: (PMID: 30093976, 33151324, 33811135, 35610400, 32339256, 30875412, 33471991)

Myriad Genetics, Inc.
Classification: Pathogenic for Familial cancer of breast. Last evaluated: 2023-09-05. Review status: criteria provided, single submitter. Criteria: Myriad Autosomal Dominant, Autosomal Recessive and X-Linked Classification Criteria (2023). Collection method: clinical testing. Allele origin: unknown. Not counted in ClinVar's aggregate classification.
Comment: This variant is considered pathogenic. This variant creates a termination codon and is predicted to result in premature protein truncation.

Color Diagnostics, LLC DBA Color Health
Classification: Pathogenic for Hereditary cancer-predisposing syndrome. Last evaluated: 2022-06-13. Review status: criteria provided, single submitter. Criteria: ACMG Guidelines, 2015. Collection method: clinical testing. Allele origin: germline. Not counted in ClinVar's aggregate classification.
Comment: This variant changes 1 nucleotide in exon 1 of the PALB2 gene, creating a premature translation stop signal. This variant is expected to result in an absent or non-functional protein product. This variant has been reported in two individuals affected breast cancer and an individual affected with both breast and endometrial cancer (PMID: 30093976, 32339256). This variant has been detected in a breast cancer case-control meta-analysis in 3/60466 cases and 0/53461 unaffected individuals (PMID: 33471991; Leiden Open Variation Database DB-ID PALB2_011235). This variant has not been identified in the general population by the Genome Aggregation Database (gnomAD). Loss of PALB2 function is a known mechanism of disease. Based on the available evidence, this variant is classified as Pathogenic.

Mendelics
Classification: Pathogenic for Familial cancer of breast. Last evaluated: 2019-05-28. Review status: criteria provided, single submitter. Criteria: Mendelics Assertion Criteria 2017. Collection method: clinical testing. Allele origin: unknown. Not counted in ClinVar's aggregate classification.

Juno Genomics, Hangzhou Juno Genomics, Inc
Classification: Pathogenic for Breast-ovarian cancer, familial, susceptibility to, 5. Review status: criteria provided, single submitter. Criteria: ACMG Guidelines, 2015. Collection method: clinical testing. Allele origin: germline. Not counted in ClinVar's aggregate classification.
Comment: Absent from controls (or at extremely low frequency if recessive) in Genome Aggregation Database.;Null variant in a gene where loss of function (LOF) is a known mechanism of disease.;Novel missense change at an amino acid residue where a different missense change determined to be pathogenic has been seen before.

Literature cited by the submitters: PubMed 17200668 (cited by Labcorp Genetics (formerly Invitae), Labcorp); PubMed 17200671 (cited by Labcorp Genetics (formerly Invitae), Labcorp); PubMed 17200672 (cited by Labcorp Genetics (formerly Invitae), Labcorp); PubMed 24136930 (cited by Labcorp Genetics (formerly Invitae), Labcorp); PubMed 25099575 (cited by Labcorp Genetics (formerly Invitae), Labcorp); PubMed 30093976 (cited by Labcorp Genetics (formerly Invitae), Labcorp and Color Diagnostics, LLC DBA Color Health); PubMed 32339256 (cited by Ambry Genetics and Color Diagnostics, LLC DBA Color Health); PubMed 33811135 (cited by Ambry Genetics); PubMed 33471991 (cited by Color Diagnostics, LLC DBA Color Health).